The following is an entry in ClinVar:

NM_001077525.3(MTMR14):c.641T>A (p.Leu214Gln)

Gene: MTMR14 (myotubularin related protein 14; plus strand). Cytogenetic location: 3p25.3.
Variant type: single nucleotide variant.
Coding change: c.641T>A on transcript NM_001077525.3 (MANE Select); coding-DNA position 641, T replaced by A.
Protein change: p.Leu214Gln; replaces leucine 214 with glutamine.
Molecular consequence: missense variant. On other transcripts: 5 prime UTR variant (16), non-coding transcript variant (9).
Genome position (GRCh38, 1-based): chr3:9,671,134, T>A. VCF-style: chr3-9671134-T-A. GRCh37 (hg19) VCF-style: chr3-9712818-T-A.
Other names: c.641T>A, p.Leu214Gln (NM_001077526.3, NM_001400520.1, NM_001400523.1 and 2 more transcripts); c.710T>A, p.Leu237Gln (NM_001400518.1, NM_001400521.1, NM_001400526.1); c.638T>A, p.Leu213Gln (NM_001400519.1, NM_001400522.1); c.395T>A, p.Leu132Gln (NM_001400524.1, NM_001400527.1, NM_001400530.1 and 1 more transcripts); c.359T>A, p.Leu120Gln (NM_001400525.1, NM_001400529.1, NM_001400532.1 and 1 more transcripts); c.392T>A, p.Leu131Gln (NM_001400531.1); c.-2T>A (NM_001400533.1, NM_001400534.1, NM_001400535.1 and 9 more transcripts); c.-75T>A (NM_001400544.1, NM_001400547.1, NM_001400548.1 and 1 more transcripts); short protein forms L131Q, L237Q, L214Q, L120Q, L132Q, L213Q.
Identifiers: ClinVar variation 3875470 (VCV003875470.2).

ClinVar aggregate classification (germline): Uncertain significance. Review status: criteria provided, multiple submitters, no conflicts (2 of 4 stars). 2 submissions from 2 submitters: Uncertain significance (2). Last evaluated 2025-04-27.

gnomAD v4.1: 16 of 1,614,088 alleles (0.00099%); highest among the groups gnomAD compares: Non-Finnish European, 0.0014%; no homozygotes.

Submissions (2):

Labcorp Genetics (formerly Invitae), Labcorp
Classification: Uncertain significance. Last evaluated: 2025-04-27. Review status: criteria provided, single submitter. Criteria: Invitae Variant Classification Sherloc (09022015). Collection method: clinical testing. Allele origin: germline.
Comment: This sequence change replaces leucine, which is neutral and non-polar, with glutamine, which is neutral and polar, at codon 214 of the MTMR14 protein (p.Leu214Gln). This variant is present in population databases (rs761333668, gnomAD 0.002%). This variant has not been reported in the literature in individuals affected with MTMR14-related conditions. Invitae Evidence Modeling of protein sequence and biophysical properties (such as structural, functional, and spatial information, amino acid conservation, physicochemical variation, residue mobility, and thermodynamic stability) indicates that this missense variant is not expected to disrupt MTMR14 protein function with a negative predictive value of 80%. In summary, the available evidence is currently insufficient to determine the role of this variant in disease. Therefore, it has been classified as a Variant of Uncertain Significance.

Ambry Genetics
Classification: Uncertain significance. Last evaluated: 2024-12-31. Review status: criteria provided, single submitter. Criteria: Ambry Variant Classification Scheme 2023. Collection method: clinical testing. Allele origin: germline.